The following is an entry in ClinVar:

NM_003119.4(SPG7):c.1373C>T (p.Ala458Val)

Gene: SPG7 (SPG7 matrix AAA peptidase subunit, paraplegin; plus strand). Cytogenetic location: 16q24.3.
Variant type: single nucleotide variant.
Coding change: c.1373C>T on transcript NM_003119.4 (MANE Select); coding-DNA position 1373, C replaced by T.
Protein change: p.Ala458Val; replaces alanine 458 with valine.
Molecular consequence: missense variant.
Genome position (GRCh38, 1-based): chr16:89,544,696, C>T. VCF-style: chr16-89544696-C-T. GRCh37 (hg19) VCF-style: chr16-89611104-C-T.
Other names: c.1373C>T, p.Ala458Val (NM_001363850.1); short protein forms A458V.
Identifiers: ClinVar variation 3344747 (VCV003344747.1).

ClinVar aggregate classification (germline): Uncertain significance (0 of 4 stars; one submission).

Conditions:
SPG7-related disorder. Also called: SPG7-related condition.

Submission:

PreventionGenetics, part of Exact Sciences
Classification: Uncertain significance for SPG7-related condition. Last evaluated: 2024-07-25. Review status: no assertion criteria provided. Collection method: clinical testing. Allele origin: germline.
Comment: The SPG7 c.1373C>T variant is predicted to result in the amino acid substitution p.Ala458Val. This variant was reported in an individual with complicated spastic paraplegia who also carried another known pathogenic SPG7 variant (p.Ala510Val) with unconfirmed phase (Hewamadduma et al 2018. PubMed ID: 30533525). This variant has not been reported in the gnomAD database, indicating this variant is rare. Although this variant may be pathogenic, at this time, the clinical significance of this variant is uncertain due to the absence of conclusive functional and genetic evidence.